The following is an entry in ClinVar:

NM_005359.6(SMAD4):c.1529del (p.Gly510fs)

Gene: SMAD4 (SMAD family member 4; plus strand). Cytogenetic location: 18q21.2.
Variant type: Deletion.
Coding change: c.1529del on transcript NM_005359.6 (MANE Select); coding-DNA position 1529, one base deleted (G; older notation c.1529delG).
Protein change: p.Gly510fs; shifts the reading frame from glycine 510.
Molecular consequence: frameshift variant.
Genome position (GRCh38, 1-based): chr18:51,078,337, G deleted; the last of 4 consecutive G bases (chr18:51,078,334-51,078,337); deleting any one gives the same sequence. VCF-style (leftmost placement, unchanged base first): chr18-51078333-TG-T. GRCh37 (hg19) VCF-style: chr18-48604703-TG-T.
Other names: c.1529delG (NM_005359.5); short protein forms G510fs.
Identifiers: ClinVar variation 405502 (VCV000405502.10), dbSNP rs1060500744, ClinGen allele CA16615816.

ClinVar aggregate classification (germline): Pathogenic (1 of 4 stars; one submission).

Conditions:
Juvenile polyposis syndrome (JPS). Identifiers: Orphanet 2929, MedGen C0345893, MONDO:0017380, OMIM 174900.

Submission:

Labcorp Genetics (formerly Invitae), Labcorp
Classification: Pathogenic for Juvenile polyposis syndrome. Last evaluated: 2018-05-04. Review status: criteria provided, single submitter. Criteria: Invitae Variant Classification Sherloc (09022015). Collection method: clinical testing. Allele origin: germline.
Comment: For these reasons, this variant has been classified as Pathogenic. A different truncation (p.His530Thrfs*47) that lies downstream of this variant has been determined to be pathogenic (PMID: 18178612, Invitae). This suggests that deletion of this region of the SMAD4 protein is causative of disease. This variant has not been reported in the literature in individuals with SMAD4-related disease. ClinVar contains an entry for this variant (Variation ID: 405502). This variant is not present in population databases (ExAC no frequency). This sequence change results in a premature translational stop signal in the SMAD4 gene (p.Gly510Aspfs*27). While this is not anticipated to result in nonsense mediated decay, it is expected to disrupt the last 43 amino acids of the SMAD4 protein.

Literature cited by the submitters: PubMed 18178612.